The following is an entry in ClinVar:

ClinVar aggregate classification (germline): Benign (1 of 4 stars; one submission).

Conditions:
Melanoma-pancreatic cancer syndrome. Identifiers: Orphanet 404560, MedGen C1838547, MONDO:0011713, OMIM 606719. Disease mechanism: loss of function.

gnomAD v4.1: 1 of 1,612,088 alleles (0.000062%); no homozygotes.

Submission:

Myriad Genetics, Inc.
Classification: Benign for Melanoma-pancreatic cancer syndrome. Last evaluated: 2025-08-18. Review status: criteria provided, single submitter. Criteria: Myriad Autosomal Dominant, Autosomal Recessive and X-Linked Classification Criteria (2023). Collection method: clinical testing. Allele origin: unknown.
Comment: This variant is considered benign. This variant is intronic and is not expected to impact mRNA splicing.

NM_000077.5(CDKN2A):c.458-38C>T

Gene: CDKN2A (cyclin dependent kinase inhibitor 2A; minus strand). Cytogenetic location: 9p21.3.
Variant type: single nucleotide variant.
Coding change: c.458-38C>T on transcript NM_000077.5 (MANE Select); 38 bases into the intron before coding-DNA position 458, C replaced by T.
Molecular consequence: intron variant.
Genome position (GRCh38, 1-based): chr9:21,968,280, G>A on the plus strand (C>T on the coding strand, the complement: CDKN2A is on the minus strand). VCF-style: chr9-21968280-G-A. GRCh37 (hg19) VCF-style: chr9-21968279-G-A.
Other names: c.305-38C>T (NM_001363763.2); c.*102-38C>T (NM_058195.4); c.*151-38C>T (NM_001195132.2); c.*381-38C>T (NM_058197.5).
Identifiers: ClinVar variation 4294130 (VCV004294130.1).